The following is an entry in ClinVar:

ClinVar aggregate classification (germline): Uncertain significance (1 of 4 stars; one submission).

Conditions:
Familial melanoma. Also called: Hereditary melanoma; Hereditary cutaneous melanoma. Identifiers: Orphanet 618, MedGen C1512419, MONDO:0018961.

Submission:

Labcorp Genetics (formerly Invitae), Labcorp
Classification: Uncertain significance for Familial melanoma. Last evaluated: 2020-09-05. Review status: criteria provided, single submitter. Criteria: Invitae Variant Classification Sherloc (09022015). Collection method: clinical testing. Allele origin: germline.
Comment: This sequence change replaces aspartic acid with glycine at codon 14 of the CDKN2A (p16INK4a) protein (p.Asp14Gly). The aspartic acid residue is weakly conserved and there is a moderate physicochemical difference between aspartic acid and glycine. This variant is not present in population databases (ExAC no frequency). This variant has not been reported in the literature in individuals with CDKN2A (p16INK4a)-related conditions. Algorithms developed to predict the effect of missense changes on protein structure and function (SIFT, PolyPhen-2, Align-GVGD) all suggest that this variant is likely to be tolerated, but these predictions have not been confirmed by published functional studies and their clinical significance is uncertain. In summary, the available evidence is currently insufficient to determine the role of this variant in disease. Therefore, it has been classified as a Variant of Uncertain Significance.

NM_000077.5(CDKN2A):c.41A>G (p.Asp14Gly)

Gene: CDKN2A (cyclin dependent kinase inhibitor 2A; minus strand). Cytogenetic location: 9p21.3.
Variant type: single nucleotide variant.
Coding change: c.41A>G on transcript NM_000077.5; coding-DNA position 41, A replaced by G.
Protein change: p.Asp14Gly; replaces aspartic acid 14 with glycine.
Molecular consequence: missense variant (on NM_000077.6). On other transcripts: intron variant (2).
Genome position (GRCh38, 1-based): chr9:21,974,787, T>C on the plus strand (A>G on the coding strand, the complement: CDKN2A is on the minus strand). VCF-style: chr9-21974787-T-C. GRCh37 (hg19) VCF-style: chr9-21974786-T-C.
Other names: c.41A>G, p.Asp14Gly (NM_000077.6, NM_001195132.2, NM_058197.5); c.-3-3579A>G (NM_001363763.2); c.194-3579A>G (NM_058195.4); short protein forms D14G.
Identifiers: ClinVar variation 1059920 (VCV001059920.9), dbSNP rs2131113670, ClinGen allele CA373086663.